The following is an entry in ClinVar:

ClinVar aggregate classification (germline): Uncertain significance. Review status: criteria provided, multiple submitters, no conflicts (2 of 4 stars). 3 submissions from 3 submitters: Uncertain significance (3). Last evaluated 2024-03-25.

Conditions:
Deficiency of 2-methylbutyryl-CoA dehydrogenase (ACADSB). Also called: 2-methylbutyrylglycinuria; 2-methylbutyryl-CoA dehydrogenase deficiency; SBCAD deficiency; 2-methylbutyric aciduria; Short branched-chain acyl-CoA dehydrogenase deficiency. Identifiers: Orphanet 79157, MedGen C1864912, MONDO:0012392, OMIM 610006, HP:0020147.

Allele frequency attached by ClinVar (database versions not stated): gnomAD 0.00004 and 0.00005; ExAC 0.00007; ESP Exome Variant Server 0.00008; gnomAD exomes 0.00008 and 0.00017; TOPMed 0.00008; 1000 Genomes Project 30x 0.00016; 1000 Genomes Project 0.00020.
gnomAD v4.1: 248 of 1,612,328 alleles (0.015%); highest among the groups gnomAD compares: Non-Finnish European, 0.02%; no homozygotes.

Submissions (3):

Blueprint Genetics
Classification: Uncertain significance. Last evaluated: 2024-03-25. Review status: criteria provided, single submitter. Criteria: ACMG Guidelines, 2015. Collection method: clinical testing. Allele origin: germline.

Labcorp Genetics (formerly Invitae), Labcorp
Classification: Uncertain significance for Deficiency of 2-methylbutyryl-CoA dehydrogenase. Last evaluated: 2022-07-21. Review status: criteria provided, single submitter. Criteria: Invitae Variant Classification Sherloc (09022015). Collection method: clinical testing. Allele origin: germline.
Comment: This sequence change replaces proline, which is neutral and non-polar, with serine, which is neutral and polar, at codon 53 of the ACADSB protein (p.Pro53Ser). This variant is present in population databases (rs150022323, gnomAD 0.01%). This missense change has been observed in individual(s) with clinical features of ACADSB-related conditions (PMID: 31785789). ClinVar contains an entry for this variant (Variation ID: 1514895). Algorithms developed to predict the effect of missense changes on protein structure and function are either unavailable or do not agree on the potential impact of this missense change (SIFT: "Deleterious"; PolyPhen-2: "Benign"; Align-GVGD: "Class C0"). In summary, the available evidence is currently insufficient to determine the role of this variant in disease. Therefore, it has been classified as a Variant of Uncertain Significance.

Fulgent Genetics
Classification: Uncertain significance for Deficiency of 2-methylbutyryl-CoA dehydrogenase. Last evaluated: 2022-05-02. Review status: criteria provided, single submitter. Criteria: ACMG Guidelines, 2015. Collection method: clinical testing. Allele origin: unknown.

Literature cited by the submitters: PubMed 31785789 (cited by Labcorp Genetics (formerly Invitae), Labcorp).

NM_001609.4(ACADSB):c.157C>T (p.Pro53Ser)

Gene: ACADSB (acyl-CoA dehydrogenase short/branched chain; plus strand). Cytogenetic location: 10q26.13.
Variant type: single nucleotide variant.
Coding change: c.157C>T on transcript NM_001609.4 (MANE Select); coding-DNA position 157, C replaced by T.
Protein change: p.Pro53Ser; replaces proline 53 with serine.
Molecular consequence: missense variant. On other transcripts: 5 prime UTR variant (1).
Genome position (GRCh38, 1-based): chr10:123,034,470, C>T. VCF-style: chr10-123034470-C-T. GRCh37 (hg19) VCF-style: chr10-124793986-C-T.
Other names: c.-49C>T (NM_001330174.3); short protein forms P53S.
Identifiers: ClinVar variation 1514895 (VCV001514895.5), dbSNP rs150022323, ClinGen allele CA5730624.